The following is an entry in ClinVar:

ClinVar aggregate classification (germline): Uncertain significance. Review status: criteria provided, multiple submitters, no conflicts (2 of 4 stars). 2 submissions from 2 submitters: Uncertain significance (2). Last evaluated 2026-09-14.

Conditions:
Brachyolmia-amelogenesis imperfecta syndrome. Also called: PLATYSPONDYLY WITH AMELOGENESIS IMPERFECTA; Tooth agenesis, selective, 6; Dental anomalies and short stature. Identifiers: Orphanet 2899, MedGen C1832594, MONDO:0011018, OMIM 601216. Disease mechanism: loss of function.
Inborn genetic diseases. Identifiers: MedGen C0950123, MeSH D030342.

gnomAD v4.1: 3 of 1,613,988 alleles (0.00019%); highest among the groups gnomAD compares: African/African-American, 0.0013%; no homozygotes.

Submissions (2):

Ambry Genetics
Classification: Uncertain significance for Inborn genetic diseases. Last evaluated: 2026-09-14. Review status: criteria provided, single submitter. Criteria: Ambry Variant Classification Scheme 2023. Collection method: clinical testing. Allele origin: germline.
Comment: The p.C685G variant (also known as c.2053T>G), located in coding exon 14 of the LTBP3 gene, results from a T to G substitution at nucleotide position 2053. The cysteine at codon 685 is replaced by glycine, an amino acid with highly dissimilar properties. This amino acid position is conserved. In addition, this alteration is predicted to be deleterious by in silico analysis. Based on the available evidence, the clinical significance of this variant remains unclear.

Labcorp Genetics (formerly Invitae), Labcorp
Classification: Uncertain significance for Brachyolmia-amelogenesis imperfecta syndrome. Last evaluated: 2024-07-19. Review status: criteria provided, single submitter. Criteria: Invitae Variant Classification Sherloc (09022015). Collection method: clinical testing. Allele origin: germline.
Comment: This sequence change replaces cysteine, which is neutral and slightly polar, with glycine, which is neutral and non-polar, at codon 685 of the LTBP3 protein (p.Cys685Gly). This variant is not present in population databases (gnomAD no frequency). This variant has not been reported in the literature in individuals affected with LTBP3-related conditions. An algorithm developed to predict the effect of missense changes on protein structure and function (PolyPhen-2) suggests that this variant is likely to be tolerated. In summary, the available evidence is currently insufficient to determine the role of this variant in disease. Therefore, it has been classified as a Variant of Uncertain Significance.

NM_001130144.3(LTBP3):c.2053T>G (p.Cys685Gly)

Gene: LTBP3 (latent transforming growth factor beta binding protein 3; minus strand). Cytogenetic location: 11q13.1.
Variant type: single nucleotide variant.
Coding change: c.2053T>G on transcript NM_001130144.3 (MANE Select); coding-DNA position 2053, T replaced by G.
Protein change: p.Cys685Gly; replaces cysteine 685 with glycine.
Molecular consequence: missense variant.
Genome position (GRCh38, 1-based): chr11:65,547,493, A>C on the plus strand (T>G on the coding strand, the complement: LTBP3 is on the minus strand). VCF-style: chr11-65547493-A-C. GRCh37 (hg19) VCF-style: chr11-65314964-A-C.
Other names: c.2053T>G (NM_001130144.2); c.1702T>G, p.Cys568Gly (NM_001164266.1); c.2053T>G, p.Cys685Gly (NM_021070.4); short protein forms C685G, C568G.
Identifiers: ClinVar variation 3688767 (VCV003688767.3).